The following is an entry in ClinVar:

ClinVar aggregate classification (germline): Benign/Likely benign. Review status: criteria provided, multiple submitters, no conflicts (2 of 4 stars). 7 submissions from 7 submitters: Benign (2); Likely benign (4). 1 of the submissions does not count toward it. Last evaluated 2026-08-01.

Conditions:
46,XY sex reversal 9 (SRXY9). Also called: 46,XY SEX REVERSAL, ZFPM2-RELATED. Identifiers: Orphanet 251510, MedGen C4015129, MONDO:0014480, OMIM 616067.
46,XY sex reversal 3. Also called: NR5A1-related 46,XY complete gonadal dysgenesis; 46,XY SEX REVERSAL, PARTIAL OR COMPLETE, NR5A1-RELATED; 46,XY GONADAL DYSGENESIS, PARTIAL OR COMPLETE, WITH OR WITHOUT ADRENAL FAILURE; DISORDER OF SEX DEVELOPMENT, 46,XY, NR5A1-RELATED; SEX REVERSAL, XY, WITH OR WITHOUT ADRENAL FAILURE. Identifiers: MedGen C3489793, MONDO:0013066, OMIM 612965.

Allele frequency attached by ClinVar (database versions not stated): ExAC 0.00206; gnomAD exomes 0.00232; gnomAD 0.00266 and 0.00279; 1000 Genomes Project 0.00280; ESP Exome Variant Server 0.00299; 1000 Genomes Project 30x 0.00328; TOPMed 0.00354.
gnomAD v4.1: 5,179 of 1,613,990 alleles (0.32%); highest among the groups gnomAD compares: Admixed American, 0.62%; 8 homozygotes.

Submissions (7):

CeGaT Center for Human Genetics Tuebingen
Classification: Benign. Last evaluated: 2026-08-01. Review status: criteria provided, single submitter. Criteria: CeGaT Center For Human Genetics Tuebingen Variant Classification Criteria Version 2. Collection method: clinical testing. Allele origin: germline. Affected: yes. Observed: 7 variant alleles.
Comment: ZFPM2: BP4, BS1, BS2

Labcorp Genetics (formerly Invitae), Labcorp
Classification: Benign for 46,XY sex reversal 9. Last evaluated: 2026-01-22. Review status: criteria provided, single submitter. Criteria: Invitae Variant Classification Sherloc (09022015). Collection method: clinical testing. Allele origin: germline.

Blueprint Genetics
Classification: Likely benign. Last evaluated: 2024-11-25. Review status: criteria provided, single submitter. Criteria: ACMG Guidelines, 2015. Collection method: clinical testing. Allele origin: germline.

Women's Health and Genetics/Laboratory Corporation of America, LabCorp
Classification: Likely benign. Last evaluated: 2024-04-21. Review status: criteria provided, single submitter. Criteria: LabCorp Variant Classification Summary - May 2015. Collection method: clinical testing. Allele origin: germline.

Breakthrough Genomics
Classification: Likely benign. Review status: criteria provided, single submitter. Criteria: ACMG Guidelines, 2015. Collection method: not provided. Allele origin: germline. Inheritance: Autosomal dominant inheritance. Affected: yes.

PreventionGenetics, part of Exact Sciences
Classification: Likely benign. Review status: criteria provided, single submitter. Criteria: ACMG Guidelines, 2015. Collection method: clinical testing. Allele origin: germline.

Reproductive Development, Murdoch Childrens Research Institute
Classification: Benign for 46,XY disorder of sex development. Last evaluated: 2019-08-26. Review status: no assertion criteria provided. Collection method: research. Allele origin: maternal. Affected: yes. Not counted in ClinVar's aggregate classification.

NM_012082.4(ZFPM2):c.629G>C (p.Ser210Thr)

Genes: ZFPM2 (zinc finger protein, FOG family member 2; plus strand), ZFPM2-AS1 (ZFPM2 antisense RNA 1; minus strand). Cytogenetic location: 8q23.1.
Variant type: single nucleotide variant.
Coding change: c.629G>C on transcript NM_012082.4 (MANE Select); coding-DNA position 629, G replaced by C.
Protein change: p.Ser210Thr; replaces serine 210 with threonine.
Molecular consequence: missense variant.
Genome position (GRCh38, 1-based): chr8:105,788,814, G>C. VCF-style: chr8-105788814-G-C. GRCh37 (hg19) VCF-style: chr8-106801042-G-C.
Other names: c.470G>C, p.Ser157Thr (NM_001362836.2); c.233G>C, p.Ser78Thr (NM_001362837.2); short protein forms S210T, S157T, S78T.
Identifiers: ClinVar variation 260179 (VCV000260179.44), dbSNP rs182216711, ClinGen allele CA4839578.